The following is an entry in ClinVar:

ClinVar aggregate classification (germline): Uncertain significance. Review status: criteria provided, multiple submitters, no conflicts (2 of 4 stars). 3 submissions from 3 submitters: Uncertain significance (3). Last evaluated 2026-01-01.

Conditions:
Inborn genetic diseases. Identifiers: MedGen C0950123, MeSH D030342.
Norman-Roberts syndrome (LIS2). Also called: Lissencephaly 2 (Norman-Roberts type). Identifiers: Orphanet 89844, MedGen C0796089, MONDO:0009760, OMIM 257320.
Familial temporal lobe epilepsy 7. Identifiers: Orphanet 101046, MedGen C4225327, MONDO:0014639, OMIM 616436.

Allele frequency attached by ClinVar (database versions not stated): gnomAD 0.00003; ExAC 0.00006; TOPMed 0.00002.
gnomAD v4.1: 133 of 1,613,926 alleles (0.0082%); highest among the groups gnomAD compares: Non-Finnish European, 0.011%; no homozygotes.

Submissions (3):

CeGaT Center for Human Genetics Tuebingen
Classification: Uncertain significance. Last evaluated: 2026-01-01. Review status: criteria provided, single submitter. Criteria: CeGaT Center For Human Genetics Tuebingen Variant Classification Criteria Version 2. Collection method: clinical testing. Allele origin: germline. Affected: yes. Observed: 1 variant allele.
Comment: RELN: PM2:Supporting

Labcorp Genetics (formerly Invitae), Labcorp
Classification: Uncertain significance for Familial temporal lobe epilepsy 7; Norman-Roberts syndrome. Last evaluated: 2025-09-05. Review status: criteria provided, single submitter. Criteria: Invitae Variant Classification Sherloc (09022015). Collection method: clinical testing. Allele origin: germline.
Comment: This sequence change replaces glutamic acid, which is acidic and polar, with aspartic acid, which is acidic and polar, at codon 3251 of the RELN protein (p.Glu3251Asp). This variant is present in population databases (rs756854888, gnomAD 0.007%). This variant has not been reported in the literature in individuals affected with RELN-related conditions. ClinVar contains an entry for this variant (Variation ID: 568369). Invitae Evidence Modeling of protein sequence and biophysical properties (such as structural, functional, and spatial information, amino acid conservation, physicochemical variation, residue mobility, and thermodynamic stability) indicates that this missense variant is not expected to disrupt RELN protein function with a negative predictive value of 80%. In summary, the available evidence is currently insufficient to determine the role of this variant in disease. Therefore, it has been classified as a Variant of Uncertain Significance.

Ambry Genetics
Classification: Uncertain significance for Inborn genetic diseases. Last evaluated: 2021-02-23. Review status: criteria provided, single submitter. Criteria: Ambry Variant Classification Scheme 2023. Collection method: clinical testing. Allele origin: germline.
Comment: The c.9753G>C (p.E3251D) alteration is located in exon 60 (coding exon 60) of the RELN gene. This alteration results from a G to C substitution at nucleotide position 9753, causing the glutamic acid (E) at amino acid position 3251 to be replaced by an aspartic acid (D). The p.E3251D alteration is predicted to be tolerated by in silico analysis. Based on insufficient or conflicting evidence, the clinical significance of this alteration remains unclear.

NM_005045.4(RELN):c.9753G>C (p.Glu3251Asp)

Genes: RELN (reelin; minus strand), SLC26A5-AS1 (SLC26A5 antisense RNA 1; plus strand), LOC126860130 (BRD4-independent group 4 enhancer GRCh37_chr7:103130126-103131325; plus strand). Cytogenetic location: 7q22.1.
Variant type: single nucleotide variant.
Coding change: c.9753G>C on transcript NM_005045.4 (MANE Select); coding-DNA position 9753, G replaced by C.
Protein change: p.Glu3251Asp; replaces glutamic acid 3251 with aspartic acid.
Molecular consequence: missense variant.
Genome position (GRCh38, 1-based): chr7:103,489,752, C>G on the plus strand (G>C on the coding strand, the complement: RELN is on the minus strand). VCF-style: chr7-103489752-C-G. GRCh37 (hg19) VCF-style: chr7-103130199-C-G.
Other names: c.9753G>C, p.Glu3251Asp (NM_173054.3); short protein forms E3251D.
Identifiers: ClinVar variation 568369 (VCV000568369.14), dbSNP rs756854888, ClinGen allele CA4420137.